The following is an entry in ClinVar:

NM_015629.4(PRPF31):c.1029G>A (p.Leu343=)

Gene: PRPF31 (pre-mRNA processing factor 31; plus strand). Cytogenetic location: 19q13.42.
Variant type: single nucleotide variant.
Coding change: c.1029G>A on transcript NM_015629.4 (MANE Select); coding-DNA position 1029, G replaced by A.
Protein change: p.Leu343=; no amino-acid change (leucine 343 retained).
Molecular consequence: synonymous variant.
Genome position (GRCh38, 1-based): chr19:54,128,156, G>A. VCF-style: chr19-54128156-G-A. GRCh37 (hg19) VCF-style: chr19-54631531-G-A.
Identifiers: ClinVar variation 3358593 (VCV003358593.1).

ClinVar aggregate classification (germline): Likely benign (0 of 4 stars; one submission).

Conditions:
PRPF31-related disorder. Also called: PRPF31-related condition.

gnomAD v4.1: 7 of 1,562,610 alleles (0.00045%); highest among the groups gnomAD compares: Admixed American, 0.0039%; no homozygotes.

Submission:

PreventionGenetics, part of Exact Sciences
Classification: Likely benign for PRPF31-related condition. Last evaluated: 2024-09-03. Review status: no assertion criteria provided. Collection method: clinical testing. Allele origin: germline.
Comment: This variant is classified as likely benign based on ACMG/AMP sequence variant interpretation guidelines (Richards et al. 2015 PMID: 25741868, with internal and published modifications).